The following is an entry in ClinVar:

ClinVar aggregate classification (germline): Uncertain significance. Review status: criteria provided, multiple submitters, no conflicts (2 of 4 stars). 3 submissions from 3 submitters: Uncertain significance (3). Last evaluated 2026-03-05.

Conditions:
PLXNA2-related disorder. Also called: PLXNA2-related condition.

Allele frequency attached by ClinVar (database versions not stated): ExAC 0.00007; TOPMed 0.00013; ESP Exome Variant Server 0.00015; 1000 Genomes Project 30x 0.00031; 1000 Genomes Project 0.00040.
gnomAD v4.1: 105 of 1,614,174 alleles (0.0065%); highest among the groups gnomAD compares: African/African-American, 0.043%; no homozygotes.

Submissions (3):

PreventionGenetics, part of Exact Sciences
Classification: Uncertain significance for PLXNA2-related condition. Last evaluated: 2026-03-05. Review status: criteria provided, single submitter. Criteria: ACMG Guidelines, 2015. Collection method: clinical testing. Allele origin: germline.
Comment: The PLXNA2 c.521G>A variant is predicted to result in the amino acid substitution p.Arg174His. To our knowledge, this variant has not been reported in the literature. This variant is reported in 0.060% of alleles in individuals of African descent in gnomAD, which is likely too common for a primary cause of disease. Although we suspect that this variant may be benign, at this time, the clinical significance is uncertain due to the absence of conclusive functional and genetic evidence.

Ambry Genetics
Classification: Uncertain significance. Last evaluated: 2025-11-20. Review status: criteria provided, single submitter. Criteria: Ambry Variant Classification Scheme 2023. Collection method: clinical testing. Allele origin: germline.

Labcorp Genetics (formerly Invitae), Labcorp
Classification: Uncertain significance. Last evaluated: 2023-07-13. Review status: criteria provided, single submitter. Criteria: Invitae Variant Classification Sherloc (09022015). Collection method: clinical testing. Allele origin: germline.
Comment: This sequence change replaces arginine, which is basic and polar, with histidine, which is basic and polar, at codon 174 of the PLXNA2 protein (p.Arg174His). This variant is present in population databases (rs146682244, gnomAD 0.06%), and has an allele count higher than expected for a pathogenic variant. In summary, the available evidence is currently insufficient to determine the role of this variant in disease. Therefore, it has been classified as a Variant of Uncertain Significance. Advanced modeling of protein sequence and biophysical properties (such as structural, functional, and spatial information, amino acid conservation, physicochemical variation, residue mobility, and thermodynamic stability) performed at Invitae indicates that this missense variant is not expected to disrupt PLXNA2 protein function. ClinVar contains an entry for this variant (Variation ID: 2421806). This variant has not been reported in the literature in individuals affected with PLXNA2-related conditions.

NM_025179.4(PLXNA2):c.521G>A (p.Arg174His)

Gene: PLXNA2 (plexin A2; minus strand). Cytogenetic location: 1q32.2.
Variant type: single nucleotide variant.
Coding change: c.521G>A on transcript NM_025179.4 (MANE Select); coding-DNA position 521, G replaced by A.
Protein change: p.Arg174His; replaces arginine 174 with histidine.
Molecular consequence: missense variant.
Genome position (GRCh38, 1-based): chr1:208,217,402, C>T on the plus strand (G>A on the coding strand, the complement: PLXNA2 is on the minus strand). VCF-style: chr1-208217402-C-T. GRCh37 (hg19) VCF-style: chr1-208390747-C-T.
Other names: c.521G>A (NM_025179.3); short protein forms R174H.
Identifiers: ClinVar variation 2421806 (VCV002421806.9), dbSNP rs146682244, ClinGen allele CA1374060.